The following is an entry in ClinVar:

ClinVar aggregate classification (germline): Pathogenic (1 of 4 stars; one submission).

Conditions:
Familial cancer of breast. Also called: hereditary breast carcinoma; Hereditary breast cancer; BREAST CANCER, FAMILIAL. Identifiers: Orphanet 227535, MedGen C0346153, MONDO:0016419, OMIM 114480. Disease mechanism: loss of function.

Submission:

Labcorp Genetics (formerly Invitae), Labcorp
Classification: Pathogenic for Familial cancer of breast. Last evaluated: 2023-04-30. Review status: criteria provided, single submitter. Criteria: Invitae Variant Classification Sherloc (09022015). Collection method: clinical testing. Allele origin: germline.
Comment: This variant has not been reported in the literature in individuals affected with PALB2-related conditions. For these reasons, this variant has been classified as Pathogenic. This variant is not present in population databases (gnomAD no frequency). This sequence change creates a premature translational stop signal (p.Gly998*) in the PALB2 gene. It is expected to result in an absent or disrupted protein product. Loss-of-function variants in PALB2 are known to be pathogenic (PMID: 17200668, 17200671, 17200672, 24136930, 25099575).

Literature cited by the submitters: PubMed 17200668; PubMed 17200671; PubMed 17200672; PubMed 24136930; PubMed 25099575.

NM_024675.4(PALB2):c.2992G>T (p.Gly998Ter)

Gene: PALB2 (partner and localizer of BRCA2; minus strand). Cytogenetic location: 16p12.2.
Variant type: single nucleotide variant.
Coding change: c.2992G>T on transcript NM_024675.4 (MANE Select); coding-DNA position 2992, G replaced by T.
Protein change: p.Gly998Ter; replaces glycine 998 with a stop codon.
Molecular consequence: nonsense. On other transcripts: intron variant (1).
Genome position (GRCh38, 1-based): chr16:23,622,973, C>A on the plus strand (G>T on the coding strand, the complement: PALB2 is on the minus strand). VCF-style: chr16-23622973-C-A. GRCh37 (hg19) VCF-style: chr16-23634294-C-A.
Other names: c.2932G>T, p.Gly978Ter (NM_001407296.1); c.2920G>T, p.Gly974Ter (NM_001407297.1); c.2830G>T, p.Gly944Ter (NM_001407298.1, NM_001407302.1); c.2992G>T, p.Gly998Ter (NM_001407299.1, NM_001407301.1); c.2107G>T, p.Gly703Ter (NM_001407304.1, NM_001407305.1, NM_001407306.1 and 4 more transcripts); c.1945G>T, p.Gly649Ter (NM_001407307.1); c.1204G>T, p.Gly402Ter (NM_001407312.1, NM_001407313.1); c.526G>T, p.Gly176Ter (NM_001407314.1); and 1 more; short protein forms G176*, G974*, G978*, G998*, G402*, G649*, G703*, G944*.
Identifiers: ClinVar variation 2860689 (VCV002860689.3), dbSNP rs1039184417, ClinGen allele CA395143840.